The following is an entry in ClinVar:

ClinVar aggregate classification (germline): Likely benign (0 of 4 stars; one submission).

Conditions:
CNTN4-related disorder. Also called: CNTN4-related condition.

Allele frequency attached by ClinVar (database versions not stated): gnomAD 0.00003; TOPMed 0.00003.
gnomAD v4.1: 26 of 1,613,794 alleles (0.0016%); highest among the groups gnomAD compares: Admixed American, 0.0033%; no homozygotes.

Submission:

PreventionGenetics, part of Exact Sciences
Classification: Likely benign for CNTN4-related condition. Last evaluated: 2019-06-11. Review status: no assertion criteria provided. Collection method: clinical testing. Allele origin: germline.
Comment: This variant is classified as likely benign based on ACMG/AMP sequence variant interpretation guidelines (Richards et al. 2015 PMID: 25741868, with internal and published modifications).

NM_175607.3(CNTN4):c.33A>G (p.Gln11=)

Gene: CNTN4 (contactin 4; plus strand). Cytogenetic location: 3p26.3.
Variant type: single nucleotide variant.
Coding change: c.33A>G on transcript NM_175607.3 (MANE Select); coding-DNA position 33, A replaced by G.
Protein change: p.Gln11=; no amino-acid change (glutamine 11 retained).
Molecular consequence: synonymous variant.
Genome position (GRCh38, 1-based): chr3:2,571,536, A>G. VCF-style: chr3-2571536-A-G. GRCh37 (hg19) VCF-style: chr3-2613220-A-G.
Other names: c.33A>G, p.Gln11= (NM_001206955.2, NM_001350095.2).
Identifiers: ClinVar variation 3033763 (VCV003033763.2), dbSNP rs901678946, ClinGen allele CA69139467.